The following is an entry in ClinVar:

NM_020297.4(ABCC9):c.2056G>A (p.Ala686Thr)

Gene: ABCC9 (ATP binding cassette subfamily C member 9; minus strand). Cytogenetic location: 12p12.1.
Variant type: single nucleotide variant.
Coding change: c.2056G>A on transcript NM_020297.4 (MANE Select); coding-DNA position 2056, G replaced by A.
Protein change: p.Ala686Thr; replaces alanine 686 with threonine.
Molecular consequence: missense variant.
Genome position (GRCh38, 1-based): chr12:21,875,690, C>T on the plus strand (G>A on the coding strand, the complement: ABCC9 is on the minus strand). VCF-style: chr12-21875690-C-T. GRCh37 (hg19) VCF-style: chr12-22028624-C-T.
Other names: c.2056G>A, p.Ala686Thr (NM_001377273.1, NM_005691.4); c.1192G>A, p.Ala398Thr (NM_001377274.1); short protein forms A398T, A686T.
Identifiers: ClinVar variation 961754 (VCV000961754.9), dbSNP rs1946306380, ClinGen allele CA384134352.

ClinVar aggregate classification (germline): Uncertain significance (1 of 4 stars; one submission).

Conditions:
Dilated cardiomyopathy 1O (CMD1O). Also called: CARDIOMYOPATHY, DILATED, WITH VENTRICULAR TACHYCARDIA. Identifiers: Orphanet 154, MedGen C1837839, MONDO:0012062, OMIM 608569.

gnomAD v4.1: 1 of 1,612,900 alleles (0.000062%); highest among the groups gnomAD compares: Non-Finnish European, 0.000085%; no homozygotes.

Submission:

Labcorp Genetics (formerly Invitae), Labcorp
Classification: Uncertain significance for Dilated cardiomyopathy 1O. Last evaluated: 2019-10-29. Review status: criteria provided, single submitter. Criteria: Invitae Variant Classification Sherloc (09022015). Collection method: clinical testing. Allele origin: germline.
Comment: This variant has not been reported in the literature in individuals with ABCC9-related conditions. Algorithms developed to predict the effect of missense changes on protein structure and function (SIFT, PolyPhen-2, Align-GVGD) all suggest that this variant is likely to be tolerated, but these predictions have not been confirmed by published functional studies and their clinical significance is uncertain. In summary, the available evidence is currently insufficient to determine the role of this variant in disease. Therefore, it has been classified as a Variant of Uncertain Significance. This sequence change replaces alanine with threonine at codon 686 of the ABCC9 protein (p.Ala686Thr). The alanine residue is moderately conserved and there is a small physicochemical difference between alanine and threonine. This variant is not present in population databases (ExAC no frequency).